The following is an entry in ClinVar:

NM_017827.4(SARS2):c.364-13T>C

Gene: SARS2 (seryl-tRNA synthetase 2, mitochondrial; minus strand). Cytogenetic location: 19q13.2.
Variant type: single nucleotide variant.
Coding change: c.364-13T>C on transcript NM_017827.4 (MANE Select); 13 bases into the intron before coding-DNA position 364, T replaced by C.
Molecular consequence: intron variant.
Genome position (GRCh38, 1-based): chr19:38,922,280, A>G on the plus strand (T>C on the coding strand, the complement: SARS2 is on the minus strand). VCF-style: chr19-38922280-A-G. GRCh37 (hg19) VCF-style: chr19-39412920-A-G.
Other names: c.364-13T>C (NM_001145901.2).
Identifiers: ClinVar variation 2796134 (VCV002796134.3), dbSNP rs1345087988, ClinGen allele CA882094437.

ClinVar aggregate classification (germline): Uncertain significance (1 of 4 stars; one submission).

Allele frequency attached by ClinVar (database versions not stated): TOPMed 0.00001.
gnomAD v4.1: 7 of 1,613,990 alleles (0.00043%); highest among the groups gnomAD compares: Non-Finnish European, 0.00059%; no homozygotes.

Submission:

Labcorp Genetics (formerly Invitae), Labcorp
Classification: Uncertain significance. Last evaluated: 2024-01-10. Review status: criteria provided, single submitter. Criteria: Invitae Variant Classification Sherloc (09022015). Collection method: clinical testing. Allele origin: germline.
Comment: This sequence change falls in intron 2 of the SARS2 gene. It does not directly change the encoded amino acid sequence of the SARS2 protein. This variant is not present in population databases (gnomAD no frequency). This variant has not been reported in the literature in individuals affected with SARS2-related conditions. Algorithms developed to predict the effect of sequence changes on RNA splicing suggest that this variant may disrupt the consensus splice site. In summary, the available evidence is currently insufficient to determine the role of this variant in disease. Therefore, it has been classified as a Variant of Uncertain Significance.